The following is an entry in ClinVar:

NM_001918.5(DBT):c.*4506A>G

Gene: DBT (dihydrolipoamide branched chain transacylase E2; minus strand). Cytogenetic location: 1p21.2.
Variant type: single nucleotide variant.
Coding change: c.*4506A>G on transcript NM_001918.5 (MANE Select); 4506 bases downstream of the stop codon, A replaced by G.
Molecular consequence: 3 prime UTR variant.
Genome position (GRCh38, 1-based): chr1:100,191,749, T>C on the plus strand (A>G on the coding strand, the complement: DBT is on the minus strand). VCF-style: chr1-100191749-T-C. GRCh37 (hg19) VCF-style: chr1-100657305-T-C.
Identifiers: ClinVar variation 291410 (VCV000291410.5), dbSNP rs112901689, ClinGen allele CA10607144.

ClinVar aggregate classification (germline): Benign (1 of 4 stars; one submission).

Conditions:
Maple syrup urine disease (MSUD). Identifiers: Orphanet 511, MedGen C0024776, MeSH D008375, MONDO:0009563. Disease mechanism: loss of function.

Allele frequency attached by ClinVar (database versions not stated): gnomAD 0.00064 and 0.00067; 1000 Genomes Project 0.78155.

Submission:

Illumina Laboratory Services, Illumina
Classification: Benign for Maple syrup urine disease type 1A. Last evaluated: 2018-01-13. Review status: criteria provided, single submitter. Criteria: ICSL Variant Classification Criteria 13 December 2019. Collection method: clinical testing. Allele origin: germline.
Comment: This variant was observed in the ICSL laboratory as part of a predisposition screen in an ostensibly healthy population. It had not been previously curated by ICSL or reported in the Human Gene Mutation Database (HGMD: prior to June 1st, 2018), and was therefore a candidate for classification through an automated scoring system. Utilizing variant allele frequency, disease prevalence and penetrance estimates, and inheritance mode, an automated score was calculated to assess if this variant is too frequent to cause the disease. Based on the score and internal cut-off values, a variant classified as benign is not then subjected to further curation. The score for this variant resulted in a classification of benign for this disease.